The following is an entry in ClinVar:

NM_006379.5(SEMA3C):c.1749A>G (p.Val583=)

Gene: SEMA3C (semaphorin 3C; minus strand). Cytogenetic location: 7q21.11.
Variant type: single nucleotide variant.
Coding change: c.1749A>G on transcript NM_006379.5 (MANE Select); coding-DNA position 1749, A replaced by G.
Protein change: p.Val583=; no amino-acid change (valine 583 retained).
Molecular consequence: synonymous variant.
Genome position (GRCh38, 1-based): chr7:80,748,991, T>C on the plus strand (A>G on the coding strand, the complement: SEMA3C is on the minus strand). VCF-style: chr7-80748991-T-C. GRCh37 (hg19) VCF-style: chr7-80378307-T-C.
Other names: c.1803A>G, p.Val601= (NM_001350120.2); c.1575A>G, p.Val525= (NM_001350121.2).
Identifiers: ClinVar variation 3036156 (VCV003036156.2), dbSNP rs943447253, ClinGen allele CA161045194.

ClinVar aggregate classification (germline): Likely benign (0 of 4 stars; one submission).

Conditions:
SEMA3C-related disorder. Also called: SEMA3C-related condition.

Allele frequency attached by ClinVar (database versions not stated): gnomAD exomes below 0.00001; gnomAD 0.00003; TOPMed 0.00004.
gnomAD v4.1: 10 of 1,613,054 alleles (0.00062%); highest among the groups gnomAD compares: African/African-American, 0.013%; no homozygotes.

Submission:

PreventionGenetics, part of Exact Sciences
Classification: Likely benign for SEMA3C-related condition. Last evaluated: 2021-12-03. Review status: no assertion criteria provided. Collection method: clinical testing. Allele origin: germline.
Comment: This variant is classified as likely benign based on ACMG/AMP sequence variant interpretation guidelines (Richards et al. 2015 PMID: 25741868, with internal and published modifications).